The following is an entry in ClinVar:

ClinVar aggregate classification (germline): Conflicting classifications of pathogenicity. Review status: criteria provided, conflicting classifications (1 of 4 stars). 2 submissions from 2 submitters: Uncertain significance (1); Likely benign (1). Last evaluated 2020-01-24.

Conditions:
Cardiovascular phenotype. Identifiers: MedGen CN230736.

gnomAD v4.1: 3 of 1,613,874 alleles (0.00019%); highest among the groups gnomAD compares: Middle Eastern, 0.05%; 1 homozygote.

Submissions (2):

Ambry Genetics
Classification: Likely benign for Cardiovascular phenotype. Last evaluated: 2020-01-24. Review status: criteria provided, single submitter. Criteria: Ambry Variant Classification Scheme 2023. Collection method: clinical testing. Allele origin: germline.

GeneDx
Classification: Uncertain significance. Last evaluated: 2019-10-01. Review status: criteria provided, single submitter. Criteria: GeneDx Variant Classification Process June 2021. Collection method: clinical testing. Allele origin: germline. Affected: yes.
Comment: Not observed in large population cohorts (Lek et al., 2016); Has not been previously published as pathogenic or benign to our knowledge; In silico analysis, which includes splice predictors and evolutionary conservation, suggests this variant may impact gene splicing. In the absence of RNA/functional studies, the actual effect of this sequence change is unknown.

NM_001267550.2(TTN):c.4227A>G (p.Ser1409=)

Genes: TTN (titin; minus strand), LOC101927055 (uncharacterized LOC101927055; plus strand). Cytogenetic location: 2q31.2.
Variant type: single nucleotide variant.
Coding change: c.4227A>G on transcript NM_001267550.2 (MANE Select); coding-DNA position 4227, A replaced by G.
Protein change: p.Ser1409=; no amino-acid change (serine 1409 retained).
Molecular consequence: synonymous variant. On other transcripts: non-coding transcript variant (1).
Genome position (GRCh38, 1-based): chr2:178,777,957, T>C on the plus strand (A>G on the coding strand, the complement: TTN is on the minus strand). VCF-style: chr2-178777957-T-C. GRCh37 (hg19) VCF-style: chr2-179642684-T-C.
Other names: c.4227A>G, p.Ser1409= (NM_001256850.1, NM_133378.4, NM_133379.5); c.4089A>G, p.Ser1363= (NM_003319.4, NM_133432.3, NM_133437.4).
Identifiers: ClinVar variation 1303316 (VCV001303316.4), dbSNP rs2154346890, ClinGen allele CA430282291.
Genomic context (GRCh38, chr2:178,777,957, plus strand): 5'-AGGAGACATCCTTGCAGGTGACATCCGTGCAGGAGACATGCGTATAGGAGACCTGCTCAC[T>C]GAACGTGGAGAGAGAGATCTGCAAAACAAAGACACACAATACTTTCGTGAGGCATAAAGA-3'
Protein context (NP_001254479.2, residues 1399-1419): VSRIRSLSPR[Ser1409=]VSRSPIRMSP